The following is an entry in ClinVar:

NM_001692.4(ATP6V1B1):c.174+3A>G

Genes: ATP6V1B1 (ATPase H+ transporting V1 subunit B1; plus strand), ATP6V1B1-AS1 (ATP6V1B1 antisense RNA 1; minus strand). Cytogenetic location: 2p13.3.
Variant type: single nucleotide variant.
Coding change: c.174+3A>G on transcript NM_001692.4 (MANE Select); 3 bases into the intron after coding-DNA position 174, A replaced by G.
Molecular consequence: intron variant.
Genome position (GRCh38, 1-based): chr2:70,943,716, A>G. VCF-style: chr2-70943716-A-G. GRCh37 (hg19) VCF-style: chr2-71170846-A-G.
Identifiers: ClinVar variation 2200667 (VCV002200667.4), dbSNP rs782267707, ClinGen allele CA1700920.

ClinVar aggregate classification (germline): Uncertain significance. Review status: criteria provided, multiple submitters, no conflicts (2 of 4 stars). 4 submissions from 4 submitters: Uncertain significance (4). Last evaluated 2025-11-27.

Conditions:
Renal tubular acidosis with progressive nerve deafness. Also called: Distal Renal Tubular Acidosis with Progressive Sensorineural Deafness; RENAL TUBULAR ACIDOSIS, AUTOSOMAL RECESSIVE, WITH PROGRESSIVE NERVE DEAFNESS; RTA WITH PROGRESSIVE NERVE DEAFNESS; renal tubular acidosis, distal, 2, with progressive sensorineural hearing loss. Identifiers: MedGen C0403554, MONDO:0009968, OMIM 267300.

Allele frequency attached by ClinVar (database versions not stated): gnomAD exomes 0.00001; TOPMed 0.00002; ExAC 0.00003; gnomAD 0.00003.
gnomAD v4.1: 20 of 1,613,374 alleles (0.0012%); highest among the groups gnomAD compares: East Asian, 0.04%; no homozygotes.

Submissions (4):

Women's Health and Genetics/Laboratory Corporation of America, LabCorp
Classification: Uncertain significance. Last evaluated: 2025-11-27. Review status: criteria provided, single submitter. Criteria: LabCorp Variant Classification Summary - May 2015. Collection method: clinical testing. Allele origin: germline.

Fulgent Genetics
Classification: Uncertain significance for Renal tubular acidosis with progressive nerve deafness. Last evaluated: 2024-02-29. Review status: criteria provided, single submitter. Criteria: ACMG Guidelines, 2015. Collection method: clinical testing. Allele origin: germline.

GeneDx
Classification: Uncertain significance. Last evaluated: 2022-11-30. Review status: criteria provided, single submitter. Criteria: GeneDx Variant Classification Process June 2021. Collection method: clinical testing. Allele origin: germline. Affected: yes.
Comment: In silico analysis supports that this variant does not alter splicing; Has not been previously published as pathogenic or benign to our knowledge

Labcorp Genetics (formerly Invitae), Labcorp
Classification: Uncertain significance. Last evaluated: 2020-02-22. Review status: criteria provided, single submitter. Criteria: Invitae Variant Classification Sherloc (09022015). Collection method: clinical testing. Allele origin: germline.
Comment: This sequence change falls in intron 2 of the ATP6V1B1 gene. It does not directly change the encoded amino acid sequence of the ATP6V1B1 protein, but it affects a nucleotide within the consensus splice site of the intron. This variant is present in population databases (rs782267707, ExAC 0.05%). This variant has not been reported in the literature in individuals with ATP6V1B1-related conditions. Nucleotide substitutions within the consensus splice site are a relatively common cause of aberrant splicing (PMID: 17576681, 9536098). Algorithms developed to predict the effect of sequence changes on RNA splicing suggest that this variant may disrupt the consensus splice site, but this prediction has not been confirmed by published transcriptional studies. In summary, the available evidence is currently insufficient to determine the role of this variant in disease. Therefore, it has been classified as a Variant of Uncertain Significance.

Literature cited by the submitters: PubMed 17576681 (cited by Labcorp Genetics (formerly Invitae), Labcorp); PubMed 9536098 (cited by Labcorp Genetics (formerly Invitae), Labcorp).